The following is an entry in ClinVar:

NM_003079.5(SMARCE1):c.1219G>A (p.Asp407Asn)

Gene: SMARCE1 (SWI/SNF related BAF chromatin remodeling complex subunit E1; minus strand). Cytogenetic location: 17q21.2.
Variant type: single nucleotide variant.
Coding change: c.1219G>A on transcript NM_003079.5 (MANE Select); coding-DNA position 1219, G replaced by A.
Protein change: p.Asp407Asn; replaces aspartic acid 407 with asparagine.
Molecular consequence: missense variant.
Genome position (GRCh38, 1-based): chr17:40,628,802, C>T on the plus strand (G>A on the coding strand, the complement: SMARCE1 is on the minus strand). VCF-style: chr17-40628802-C-T. GRCh37 (hg19) VCF-style: chr17-38785054-C-T.
Other names: short protein forms D407N.
Identifiers: ClinVar variation 1023064 (VCV001023064.12), dbSNP rs139178605, ClinGen allele CA8545043.

ClinVar aggregate classification (germline): Conflicting classifications of pathogenicity. Review status: criteria provided, conflicting classifications (1 of 4 stars). 2 submissions from 2 submitters: Uncertain significance (1); Likely benign (1). Last evaluated 2026-01-26.

Conditions:
Familial meningioma. Also called: Meningioma, familial, susceptibility to. Identifiers: Orphanet 263662, MedGen C3551915, MONDO:0011789, OMIM 607174.
Hereditary cancer-predisposing syndrome. Also called: Hereditary Cancer Syndrome; Neoplastic Syndromes, Hereditary; Tumor predisposition; Hereditary neoplastic syndrome. Identifiers: Orphanet 140162, MedGen C0027672, MeSH D009386, MONDO:0015356.

Allele frequency attached by ClinVar (database versions not stated): gnomAD exomes below 0.00001.
gnomAD v4.1: 2 of 1,612,714 alleles (0.00012%); highest among the groups gnomAD compares: Non-Finnish European, 0.00017%; no homozygotes.

Submissions (2):

Labcorp Genetics (formerly Invitae), Labcorp
Classification: Uncertain significance for Familial meningioma. Last evaluated: 2026-01-26. Review status: criteria provided, single submitter. Criteria: Invitae Variant Classification Sherloc (09022015). Collection method: clinical testing. Allele origin: germline.
Comment: This sequence change replaces aspartic acid, which is acidic and polar, with asparagine, which is neutral and polar, at codon 407 of the SMARCE1 protein (p.Asp407Asn). The frequency data for this variant in the population databases is considered unreliable, as metrics indicate poor data quality at this position in the gnomAD database. This variant has not been reported in the literature in individuals affected with SMARCE1-related conditions. ClinVar contains an entry for this variant (Variation ID: 1023064). Experimental studies and prediction algorithms are not available or were not evaluated, and the functional significance of this variant is currently unknown. In summary, the available evidence is currently insufficient to determine the role of this variant in disease. Therefore, it has been classified as a Variant of Uncertain Significance.

Ambry Genetics
Classification: Likely benign for Hereditary cancer-predisposing syndrome. Last evaluated: 2024-10-17. Review status: criteria provided, single submitter. Criteria: Ambry Variant Classification Scheme 2023. Collection method: clinical testing. Allele origin: germline.